The following is an entry in ClinVar:

ClinVar aggregate classification (germline): Likely benign. Review status: criteria provided, multiple submitters, no conflicts (2 of 4 stars). 2 submissions from 2 submitters: Likely benign (2). Last evaluated 2026-04-03.

Allele frequency attached by ClinVar (database versions not stated): gnomAD exomes 0.00022 and 0.00059; ExAC 0.00055; TOPMed 0.00105; ESP Exome Variant Server 0.00108; 1000 Genomes Project 0.00120; gnomAD 0.00133 and 0.00138; 1000 Genomes Project 30x 0.00156.
gnomAD v4.1: 514 of 1,614,078 alleles (0.032%); highest among the groups gnomAD compares: African/African-American, 0.35%; 2 homozygotes.

Submissions (4):

Women's Health and Genetics/Laboratory Corporation of America, LabCorp
Classification: Likely benign. Last evaluated: 2026-04-03. Review status: criteria provided, single submitter. Criteria: LabCorp Variant Classification Summary - May 2015. Collection method: clinical testing. Allele origin: germline.
Comment: Variant summary: CD55 c.245T>G (p.Leu82Arg) results in a non-conservative amino acid change in the encoded protein sequence. Algorithms developed to predict the effect of missense changes on protein structure and function are either unavailable or do not agree on the potential impact of this missense change. The variant allele was found at a frequency of 0.00059 in 251218 control chromosomes, predominantly at a frequency of 0.0029 within the African or African-American subpopulation in the gnomAD database. The observed variant frequency within African or African-American control individuals in the gnomAD database exceeds the estimated maximal expected allele frequency for disease-causing variants in CD55. To our knowledge, no occurrence of c.245T>G in individuals affected with CD55-related conditions and no experimental evidence demonstrating its impact on protein function have been reported. ClinVar contains an entry for this variant (Variation ID: 1150714). Based on the evidence outlined above, the variant was classified as likely benign.

Labcorp Genetics (formerly Invitae), Labcorp
Classification: Likely benign. Last evaluated: 2026-01-24. Review status: criteria provided, single submitter. Criteria: Invitae Variant Classification Sherloc (09022015). Collection method: clinical testing. Allele origin: germline.

Dr. Peter K. Rogan Lab, Western University
No classification provided (evidence only). Condition: Clear cell carcinoma of kidney. Review status: no classification provided. Collection method: in vitro. Allele origin: not applicable. Functional consequence: retained intron. Not counted in ClinVar's aggregate classification.

Dr. Peter K. Rogan Lab, Western University
No classification provided (evidence only). Condition: Sarcoma. Review status: no classification provided. Collection method: in vitro. Allele origin: not applicable. Functional consequence: retained intron. Not counted in ClinVar's aggregate classification.

NM_000574.5(CD55):c.245T>G (p.Leu82Arg)

Gene: CD55 (CD55 molecule (Cromer blood group); plus strand). Cytogenetic location: 1q32.2.
Variant type: single nucleotide variant.
Coding change: c.245T>G on transcript NM_000574.5 (MANE Select); coding-DNA position 245, T replaced by G.
Protein change: p.Leu82Arg; replaces leucine 82 with arginine.
Molecular consequence: missense variant. On other transcripts: non-coding transcript variant (1).
Genome position (GRCh38, 1-based): chr1:207,322,526, T>G. VCF-style: chr1-207322526-T-G. GRCh37 (hg19) VCF-style: chr1-207495871-T-G.
Other names: c.245T>G, p.Leu82Arg (NM_001114752.3, NM_001300902.2, NM_001300903.2 and 1 more transcripts); short protein forms L82R.
Identifiers: ClinVar variation 1150714 (VCV001150714.11), dbSNP rs147474393, ClinGen allele CA1367934.
Genomic context (GRCh38, chr1:207,322,526, plus strand): 5'-CGTACAAATGTGAAGAAAGCTTTGTGAAAATTCCTGGCGAGAAGGACTCAGTGATCTGCC[T>G]TAAGGGCAGTCAATGGTCAGATATTGAAGAGTTCTGCAATCGTAAGTTCTTCATCTTTTT-3'
Protein context (NP_000565.1, residues 72-92): IPGEKDSVIC[Leu82Arg]KGSQWSDIEE